The following is an entry in ClinVar:

ClinVar aggregate classification (germline): Conflicting classifications of pathogenicity. Review status: criteria provided, conflicting classifications (1 of 4 stars). 2 submissions from 2 submitters: Pathogenic (1); Uncertain significance (1). Last evaluated 2023-05-23.

Conditions:
Congenital disorder of glycosylation type 1E (CDG1E). Also called: CONGENITAL DISORDER OF GLYCOSYLATION, TYPE Ie; CDG Ie. Identifiers: Orphanet 79322, MedGen C1837396, MONDO:0012123, OMIM 608799.

Allele frequency attached by ClinVar (database versions not stated): gnomAD exomes below 0.00001.

Submissions (2):

Labcorp Genetics (formerly Invitae), Labcorp
Classification: Uncertain significance for Congenital disorder of glycosylation type 1E. Last evaluated: 2023-05-23. Review status: criteria provided, single submitter. Criteria: Invitae Variant Classification Sherloc (09022015). Collection method: clinical testing. Allele origin: germline.
Comment: In summary, the available evidence is currently insufficient to determine the role of this variant in disease. Therefore, it has been classified as a Variant of Uncertain Significance. An algorithm developed to predict the effect of missense changes on protein structure and function (PolyPhen-2) suggests that this variant is likely to be disruptive. ClinVar contains an entry for this variant (Variation ID: 1476452). This variant has not been reported in the literature in individuals affected with DPM1-related conditions. The frequency data for this variant in the population databases is considered unreliable, as metrics indicate poor data quality at this position in the gnomAD database. This sequence change replaces alanine, which is neutral and non-polar, with threonine, which is neutral and polar, at codon 217 of the DPM1 protein (p.Ala217Thr).

Mendelics
Classification: Pathogenic for Congenital disorder of glycosylation type 1E. Last evaluated: 2022-05-04. Review status: criteria provided, single submitter. Criteria: Mendelics Assertion Criteria 2019. Collection method: clinical testing. Allele origin: germline.

NM_003859.3(DPM1):c.649G>A (p.Ala217Thr)

Genes: ADNP-AS1 (ADNP antisense RNA 1; plus strand), DPM1 (dolichyl-phosphate mannosyltransferase subunit 1, catalytic; minus strand). Cytogenetic location: 20q13.13.
Variant type: single nucleotide variant.
Coding change: c.649G>A on transcript NM_003859.3 (MANE Select); coding-DNA position 649, G replaced by A.
Protein change: p.Ala217Thr; replaces alanine 217 with threonine.
Molecular consequence: missense variant. On other transcripts: non-coding transcript variant (1).
Genome position (GRCh38, 1-based): chr20:50,936,177, C>T on the plus strand (G>A on the coding strand, the complement: DPM1 is on the minus strand). VCF-style: chr20-50936177-C-T. GRCh37 (hg19) VCF-style: chr20-49552714-C-T.
Other names: c.754G>A, p.Ala252Thr (NM_001317034.1); c.730G>A, p.Ala244Thr (NM_001317035.1); c.580G>A, p.Ala194Thr (NM_001317036.1); short protein forms A194T, A252T, A244T, A217T.
Identifiers: ClinVar variation 1476452 (VCV001476452.9), dbSNP rs1197456861, ClinGen allele CA408987309.